The following is an entry in ClinVar:

ClinVar aggregate classification (germline): Uncertain significance. Review status: criteria provided, multiple submitters, no conflicts (2 of 4 stars). 4 submissions from 4 submitters: Uncertain significance (4). Last evaluated 2025-06-16.

Conditions:
Frasier syndrome. Identifiers: Orphanet 347, MedGen C0950122, MeSH D052159, MONDO:0007635, OMIM 136680.
Wilms tumor 1 (WT1). Also called: Wilms tumor, somatic. Identifiers: Orphanet 654, MedGen CN033288, MONDO:0008679, OMIM 194070.
Drash syndrome (DDS). Also called: WILMS TUMOR AND PSEUDO- OR TRUE HERMAPHRODITISM; NEPHROPATHY, WILMS TUMOR, AND GENITAL ANOMALIES. Identifiers: Orphanet 220, MedGen C0950121, MONDO:0008682, OMIM 194080.
11p partial monosomy syndrome (WAGR). Also called: WAGR syndrome; CHROMOSOME 11p13 DELETION SYNDROME; WAGR Complex; WAGR Spectrum Disorder. Identifiers: Orphanet 893, MedGen C0206115, MONDO:0008681, OMIM 194072.
Mesothelioma, malignant (MESOM). Also called: Malignant mesothelioma (disease). Identifiers: Orphanet 50251, MedGen C0345967, MONDO:0006292, OMIM 156240, HP:0100001.
Nephrotic syndrome, type 4 (NPHS4). Also called: Familial mesangial sclerosis; Nephrotic syndrome, early onset with diffuse mesangial sclerosis. Identifiers: Orphanet 656, MedGen C3151568, MONDO:0009733, OMIM 256370.
Meacham syndrome. Also called: Meacham Winn Culler syndrome. Identifiers: Orphanet 3097, MedGen C1837026, MONDO:0012164, OMIM 608978.
Aniridia 1 (AN1). Identifiers: Orphanet 250923, MedGen C0344542, MONDO:0024507, OMIM 106210.
Inborn genetic diseases. Identifiers: MedGen C0950123, MeSH D030342.

Allele frequency attached by ClinVar (database versions not stated): TOPMed 0.00001.

Submissions (4):

Labcorp Genetics (formerly Invitae), Labcorp
Classification: Uncertain significance for Wilms tumor 1; Drash syndrome; 11p partial monosomy syndrome; Frasier syndrome. Last evaluated: 2025-06-16. Review status: criteria provided, single submitter. Criteria: Invitae Variant Classification Sherloc (09022015). Collection method: clinical testing. Allele origin: germline.
Comment: This sequence change replaces serine, which is neutral and polar, with proline, which is neutral and non-polar, at codon 383 of the WT1 protein (p.Ser383Pro). This variant is not present in population databases (gnomAD no frequency). This variant has not been reported in the literature in individuals affected with WT1-related conditions. ClinVar contains an entry for this variant (Variation ID: 971511). Invitae Evidence Modeling of protein sequence and biophysical properties (such as structural, functional, and spatial information, amino acid conservation, physicochemical variation, residue mobility, and thermodynamic stability) indicates that this missense variant is not expected to disrupt WT1 protein function with a negative predictive value of 95%. In summary, the available evidence is currently insufficient to determine the role of this variant in disease. Therefore, it has been classified as a Variant of Uncertain Significance.

Ambry Genetics
Classification: Uncertain significance for Inborn genetic diseases. Last evaluated: 2025-05-28. Review status: criteria provided, single submitter. Criteria: Ambry Variant Classification Scheme 2023. Collection method: clinical testing. Allele origin: germline.
Comment: The p.S383P variant (also known as c.1147T>C), located in coding exon 7 of the WT1 gene, results from a T to C substitution at nucleotide position 1147. The serine at codon 383 is replaced by proline, an amino acid with similar properties. This amino acid position is well conserved in available vertebrate species. In addition, the in silico prediction for this alteration is inconclusive. Based on the available evidence, the clinical significance of this variant remains unclear.

All of Us Research Program, National Institutes of Health
Classification: Uncertain significance for Wilms tumor 1. Last evaluated: 2023-02-24. Review status: criteria provided, single submitter. Criteria: ACMG Guidelines, 2015. Collection method: clinical testing. Allele origin: germline. Inheritance: Autosomal dominant inheritance. Observed: 1 variant allele, 1 heterozygote.
Comment: This missense variant replaces serine with proline at codon 383 of the WT1 protein. Computational prediction is inconclusive regarding the impact of this variant on protein structure and function (internally defined REVEL score threshold 0.5 < inconclusive < 0.7, PMID: 27666373). To our knowledge, functional studies have not been reported for this variant. This variant has not been reported in individuals affected with WT1-related disorders in the literature. This variant has not been identified in the general population by the Genome Aggregation Database (gnomAD). The available evidence is insufficient to determine the role of this variant in disease conclusively. Therefore, this variant is classified as a Variant of Uncertain Significance.

This study involves interpretation of variants in research participants for the purpose of population health screening. Participant phenotype was not available at the time of variant classification. Additional details can be found in publication PMID: 35346344, PMCID: PMC8962531

Fulgent Genetics
Classification: Uncertain significance for Aniridia 1; Frasier syndrome; Mesothelioma, malignant; Wilms tumor 1; 11p partial monosomy syndrome; Drash syndrome; Nephrotic syndrome, type 4; Meacham syndrome. Last evaluated: 2022-04-28. Review status: criteria provided, single submitter. Criteria: ACMG Guidelines, 2015. Collection method: clinical testing. Allele origin: unknown.

NM_024426.6(WT1):c.1162T>C (p.Ser388Pro)

Gene: WT1 (WT1 transcription factor; minus strand). Cytogenetic location: 11p13.
Variant type: single nucleotide variant.
Coding change: c.1162T>C on transcript NM_024426.6 (MANE Select); coding-DNA position 1162, T replaced by C.
Protein change: p.Ser388Pro; replaces serine 388 with proline.
Molecular consequence: missense variant. On other transcripts: 5 prime UTR variant (1), non-coding transcript variant (1).
Genome position (GRCh38, 1-based): chr11:32,396,359, A>G on the plus strand (T>C on the coding strand, the complement: WT1 is on the minus strand). VCF-style: chr11-32396359-A-G. GRCh37 (hg19) VCF-style: chr11-32417905-A-G.
Other names: c.1111T>C, p.Ser371Pro (NM_000378.6, NM_001407045.1, NM_001407048.1 and 1 more transcripts); c.511T>C, p.Ser171Pro (NM_001198551.2); c.460T>C, p.Ser154Pro (NM_001198552.2); c.-27T>C (NM_001367854.1); c.1156T>C, p.Ser386Pro (NM_001407044.1); c.1162T>C, p.Ser388Pro (NM_001407046.1, NM_024424.5); c.1039T>C, p.Ser347Pro (NM_001407047.1); c.988T>C, p.Ser330Pro (NM_001407050.1); and 2 more; short protein forms S171P, S388P, S371P, S154P, S347P, S386P, S330P, S366P.
Identifiers: ClinVar variation 971511 (VCV000971511.14), dbSNP rs992930804, ClinGen allele CA219476863.
Genomic context (GRCh38, chr11:32,396,359, plus strand): 5'-AATATCTCTTATTGCAGCCTGGGTAAGCACACATGAAGGGGCGTTTCTCACTGGTCTCAG[A>G]TGCCGACCGTACAAGAGTCGGGGCTACTCCAGGCACACGTCGCACATCCTGCAGGCAGAG-3'
Protein context (NP_077744.4, residues 378-398): GVAPTLVRSA[Ser388Pro]ETSEKRPFMC